The following is an entry in ClinVar:

NM_012431.3(SEMA3E):c.845A>G (p.Asn282Ser)

Gene: SEMA3E (semaphorin 3E; minus strand). Cytogenetic location: 7q21.11.
Variant type: single nucleotide variant.
Coding change: c.845A>G on transcript NM_012431.3 (MANE Select); coding-DNA position 845, A replaced by G.
Protein change: p.Asn282Ser; replaces asparagine 282 with serine.
Molecular consequence: missense variant.
Genome position (GRCh38, 1-based): chr7:83,406,028, T>C on the plus strand (A>G on the coding strand, the complement: SEMA3E is on the minus strand). VCF-style: chr7-83406028-T-C. GRCh37 (hg19) VCF-style: chr7-83035344-T-C.
Other names: c.665A>G, p.Asn222Ser (NM_001178129.2); short protein forms N222S, N282S.
Identifiers: ClinVar variation 2630508 (VCV002630508.1), dbSNP rs2484317738, ClinGen allele CA367930067.

ClinVar aggregate classification (germline): Uncertain significance (1 of 4 stars; one submission).

Conditions:
SEMA3E-related disorder. Also called: SEMA3E-related condition.

Submission:

PreventionGenetics, part of Exact Sciences
Classification: Uncertain significance for SEMA3E-related condition. Last evaluated: 2023-02-28. Review status: criteria provided, single submitter. Criteria: ACMG Guidelines, 2015. Collection method: clinical testing. Allele origin: germline.
Comment: The SEMA3E c.845A>G variant is predicted to result in the amino acid substitution p.Asn282Ser. To our knowledge, this variant has not been reported in the literature or in a large population database, indicating this variant is rare. At this time, the clinical significance of this variant is uncertain due to the absence of conclusive functional and genetic evidence.